The following is an entry in ClinVar:

NM_020702.5(MYORG):c.1281C>G (p.Asn427Lys)

Gene: MYORG (myogenesis regulating glycosidase; minus strand). Cytogenetic location: 9p13.3.
Variant type: single nucleotide variant.
Coding change: c.1281C>G on transcript NM_020702.5 (MANE Select); coding-DNA position 1281, C replaced by G.
Protein change: p.Asn427Lys; replaces asparagine 427 with lysine.
Molecular consequence: missense variant.
Genome position (GRCh38, 1-based): chr9:34,371,663, G>C on the plus strand (C>G on the coding strand, the complement: MYORG is on the minus strand). VCF-style: chr9-34371663-G-C. GRCh37 (hg19) VCF-style: chr9-34371661-G-C.
Other names: short protein forms N427K.
Identifiers: ClinVar variation 2659157 (VCV002659157.24), dbSNP rs752671217, ClinGen allele CA373241768.

ClinVar aggregate classification (germline): Uncertain significance (1 of 4 stars; one submission).

Submission:

CeGaT Center for Human Genetics Tuebingen
Classification: Uncertain significance. Last evaluated: 2023-10-01. Review status: criteria provided, single submitter. Criteria: CeGaT Center For Human Genetics Tuebingen Variant Classification Criteria Version 2. Collection method: clinical testing. Allele origin: germline. Affected: yes. Observed: 1 variant allele.
Comment: MYORG: PM2, PP4